The following is an entry in ClinVar:

NM_000384.3(APOB):c.8724C>T (p.Asn2908=)

Gene: APOB (apolipoprotein B; minus strand). Cytogenetic location: 2p24.1.
Variant type: single nucleotide variant.
Coding change: c.8724C>T on transcript NM_000384.3 (MANE Select); coding-DNA position 8724, C replaced by T.
Protein change: p.Asn2908=; no amino-acid change (asparagine 2908 retained).
Molecular consequence: synonymous variant.
Genome position (GRCh38, 1-based): chr2:21,008,144, G>A on the plus strand (C>T on the coding strand, the complement: APOB is on the minus strand). VCF-style: chr2-21008144-G-A. GRCh37 (hg19) VCF-style: chr2-21231016-G-A.
Identifiers: ClinVar variation 924097 (VCV000924097.13), dbSNP rs755498745, ClinGen allele CA43499989.
Genomic context (GRCh38, chr2:21,008,144, plus strand): 5'-TGACCCTTTTCCAGAAGAAGTCCATGCTATGTGGCCAGCTTTCAACAGTGTCTTGATCTC[G>A]TTGCGCAGGTCAGCCTGACTAGAGAAGTCCAGTTTGGGGATGTTCAATTTGTGGAAGTAT-3'
Protein context (NP_000375.3, residues 2898-2918): LDFSSQADLR[Asn2908=]EIKTLLKAGH

ClinVar aggregate classification (germline): Likely benign. Review status: criteria provided, multiple submitters, no conflicts (2 of 4 stars). 5 submissions from 5 submitters: Likely benign (5). Last evaluated 2025-04-09.

Conditions:
Cardiovascular phenotype. Identifiers: MedGen CN230736.
Familial hypobetalipoproteinemia 1. Also called: Hypobetalipoproteinemia, normotriglyceridemic; Acanthocytosis with hypobetalipoproteinemia; APOB-Related Familial Hypobetalipoproteinemia. Identifiers: MedGen C4551990, MONDO:0014252, OMIM 615558.
Hypercholesterolemia, autosomal dominant, type B (FHCL2). Also called: Familial Hypercholesterolemia Type B; HYPERCHOLESTEROLEMIA, FAMILIAL, DUE TO LIGAND-DEFECTIVE APOLIPOPROTEIN B; Familial hypercholesterolemia 2; APOB-Related Familial Hypercholesterolemia, Autosomal Dominant; APOLIPOPROTEIN B-100, FAMILIAL DEFECTIVE; APOLIPOPROTEIN B-100, FAMILIAL LIGAND-DEFECTIVE. Identifiers: MedGen C1704417, MONDO:0007751, OMIM 144010.
Familial hypercholesterolemia. Also called: Familial hypercholesterolemias; Familial hypercholesterolaemia. Identifiers: MedGen C0020445, MONDO:0005439.

Allele frequency attached by ClinVar (database versions not stated): gnomAD exomes below 0.00001 and 0.00001; gnomAD 0.00001; TOPMed 0.00002.
gnomAD v4.1: 6 of 1,613,946 alleles (0.00037%); highest among the groups gnomAD compares: Non-Finnish European, 0.00051%; no homozygotes.

Submissions (5):

Molecular Diagnostic Laboratory for Inherited Cardiovascular Disease, Montreal Heart Institute
Classification: Likely benign. Last evaluated: 2025-04-09. Review status: criteria provided, single submitter. Criteria: ACMG Guidelines, 2015. Collection method: clinical testing. Allele origin: germline. Affected: no.

GENinCode PLC
Classification: Likely benign for Familial hypercholesterolemia. Last evaluated: 2025-01-09. Review status: criteria provided, single submitter. Criteria: ACMG Guidelines, 2015. Collection method: clinical testing. Allele origin: germline.
Comment: This is a synonymous (silent) variant that is not predicted to impact splicing and occurs at a nucleotide which is not highly conserved. This variant has been classified as Likely Benign (BP4, BP7).

Ambry Genetics
Classification: Likely benign for Cardiovascular phenotype. Last evaluated: 2023-12-03. Review status: criteria provided, single submitter. Criteria: Ambry Variant Classification Scheme 2023. Collection method: clinical testing. Allele origin: germline.

Quest Diagnostics Nichols Institute San Juan Capistrano
Classification: Likely benign. Last evaluated: 2023-08-23. Review status: criteria provided, single submitter. Criteria: Quest Diagnostics criteria. Collection method: clinical testing. Allele origin: unknown.

Labcorp Genetics (formerly Invitae), Labcorp
Classification: Likely benign for Familial hypobetalipoproteinemia 1; Hypercholesterolemia, autosomal dominant, type B. Last evaluated: 2021-11-18. Review status: criteria provided, single submitter. Criteria: Invitae Variant Classification Sherloc (09022015). Collection method: clinical testing. Allele origin: germline.

Literature cited by the submitters: PubMed 22923420 (cited by Quest Diagnostics Nichols Institute San Juan Capistrano); PubMed 30337457 (cited by Quest Diagnostics Nichols Institute San Juan Capistrano).